The following is an entry in ClinVar:

ClinVar aggregate classification (germline): Uncertain significance. Review status: criteria provided, multiple submitters, no conflicts (2 of 4 stars). 2 submissions from 2 submitters: Uncertain significance (2). Last evaluated 2025-04-08.

Conditions:
Inborn genetic diseases. Identifiers: MedGen C0950123, MeSH D030342.
Monocytopenia with susceptibility to infections. Also called: MONOCYTOPENIA AND MYCOBACTERIAL INFECTION SYNDROME; MONOCYTOPENIA WITH SUSCEPTIBILITY TO MYCOBACTERIAL, FUNGAL, AND PAPILLOMAVIRUS INFECTIONS AND MYELODYSPLASIA; COMBINED IMMUNODEFICIENCY WITH SUSCEPTIBILITY TO MYCOBACTERIAL, VIRAL, AND FUNGAL INFECTIONS; Dendritic cell, monocyte, B lymphocyte, and natural killer lymphocyte deficiency; IMMUNODEFICIENCY 21; GATA2 DEFICIENCY. Identifiers: Orphanet 228423, MedGen C3280030, MONDO:0013607, OMIM 614172.
Deafness-lymphedema-leukemia syndrome. Also called: Lymphedema, primary, with myelodysplasia; Emberger syndrome. Identifiers: Orphanet 3226, MedGen C3279664, MONDO:0013540, OMIM 614038.

Allele frequency attached by ClinVar (database versions not stated): gnomAD 0.00001.
gnomAD v4.1: 1 of 1,613,380 alleles (0.000062%); highest among the groups gnomAD compares: Non-Finnish European, 0.000085%; no homozygotes.

Submissions (2):

Ambry Genetics
Classification: Uncertain significance for Inborn genetic diseases. Last evaluated: 2025-04-08. Review status: criteria provided, single submitter. Criteria: Ambry Variant Classification Scheme 2023. Collection method: clinical testing. Allele origin: germline.
Comment: The p.H165Q variant (also known as c.495C>G), located in coding exon 2 of the GATA2 gene, results from a C to G substitution at nucleotide position 495. The histidine at codon 165 is replaced by glutamine, an amino acid with highly similar properties. This amino acid position is conserved. In addition, the in silico prediction for this alteration is inconclusive. Based on the available evidence, the clinical significance of this variant remains unclear.

Labcorp Genetics (formerly Invitae), Labcorp
Classification: Uncertain significance for Monocytopenia with susceptibility to infections; Deafness-lymphedema-leukemia syndrome. Last evaluated: 2022-09-09. Review status: criteria provided, single submitter. Criteria: Invitae Variant Classification Sherloc (09022015). Collection method: clinical testing. Allele origin: germline.
Comment: In summary, the available evidence is currently insufficient to determine the role of this variant in disease. Therefore, it has been classified as a Variant of Uncertain Significance. Advanced modeling of protein sequence and biophysical properties (such as structural, functional, and spatial information, amino acid conservation, physicochemical variation, residue mobility, and thermodynamic stability) performed at Invitae indicates that this missense variant is not expected to disrupt GATA2 protein function. This variant has not been reported in the literature in individuals affected with GATA2-related conditions. This variant is not present in population databases (gnomAD no frequency). This sequence change replaces histidine, which is basic and polar, with glutamine, which is neutral and polar, at codon 165 of the GATA2 protein (p.His165Gln).

NM_032638.5(GATA2):c.495C>G (p.His165Gln)

Gene: GATA2 (GATA binding protein 2; minus strand). Cytogenetic location: 3q21.3.
Variant type: single nucleotide variant.
Coding change: c.495C>G on transcript NM_032638.5 (MANE Select); coding-DNA position 495, C replaced by G.
Protein change: p.His165Gln; replaces histidine 165 with glutamine.
Molecular consequence: missense variant.
Genome position (GRCh38, 1-based): chr3:128,486,103, G>C on the plus strand (C>G on the coding strand, the complement: GATA2 is on the minus strand). VCF-style: chr3-128486103-G-C. GRCh37 (hg19) VCF-style: chr3-128204946-G-C.
Other names: c.495C>G, p.His165Gln (NM_001145661.2, NM_001145662.1); short protein forms H165Q.
Identifiers: ClinVar variation 1718759 (VCV001718759.6), dbSNP rs887833751, ClinGen allele CA354406646.